The following is an entry in ClinVar:

ClinVar aggregate classification (germline): Likely pathogenic (1 of 4 stars; one submission).

Conditions:
Neurofibromatosis, type 1 (NF1). Also called: VON RECKLINGHAUSEN DISEASE; NEUROFIBROMATOSIS, TYPE I, SOMATIC; Peripheral type neurofibromatosis; Neurofibromatosis, type I. Identifiers: Orphanet 636, MedGen C0027831, MONDO:0018975, OMIM 162200. Disease mechanism: loss of function.

Submission:

Labcorp Genetics (formerly Invitae), Labcorp
Classification: Likely pathogenic for Neurofibromatosis, type 1. Last evaluated: 2019-08-18. Review status: criteria provided, single submitter. Criteria: Invitae Variant Classification Sherloc (09022015). Collection method: clinical testing. Allele origin: germline.
Comment: In summary, the currently available evidence indicates that the variant is pathogenic, but additional data are needed to prove that conclusively. Therefore, this variant has been classified as Likely Pathogenic. Loss-of-function variants in NF1 are known to be pathogenic (PMID: 10712197, 23913538). This variant has not been reported in the literature in individuals with NF1-related conditions. This variant results in the deletion of part of exon 23 (c.2991-8_3000del) of the NF1 gene. It is expected to disrupt RNA splicing and likely results in an absent or disrupted protein product.

Literature cited by the submitters: PubMed 10712197; PubMed 23913538.

NM_001042492.3(NF1):c.2991-8_3000del

Gene: NF1 (neurofibromin 1; plus strand). Cytogenetic location: 17q11.2.
Variant type: Deletion.
Coding change: c.2991-8_3000del on transcript NM_001042492.3 (MANE Select); 8 bases into the intron before coding-DNA position 2991 through coding-DNA position 3000, 18 bases deleted (CTATATAGGTATGTTCGT).
Molecular consequence: splice acceptor variant.
Genome position (GRCh38, 1-based): chr17:31,230,252-31,230,269, CTATATAGGTATGTTCGT deleted; deleting any 18 consecutive bases within chr17:31,230,250-31,230,269 gives the same sequence; the c. name uses the placement nearest the transcript's 3' end. VCF-style (leftmost placement, unchanged base first): chr17-31230249-TGTCTATATAGGTATGTTC-T. GRCh37 (hg19) VCF-style: chr17-29557267-TGTCTATATAGGTATGTTC-T.
Other names: c.2991-8_3000del (NM_000267.4).
Identifiers: ClinVar variation 952097 (VCV000952097.6), dbSNP rs2067089729, ClinGen allele CA1139665328.
Genomic context (GRCh38, chr17:31,230,249, plus strand): 5'-CTAAAGTATTTAGAATGCCTTCTCTTTTGTCTATATCTGATAATTTTTTTATTGTTTCTA[TGTCTATATAGGTATGTTC>T]GTGTGCTTGGGAATATGGTCCATGCAATTCAAATAAAAACGAAACTGTGTCAATTAGTTG-3'